The following is an entry in ClinVar:

ClinVar aggregate classification (germline): Uncertain significance (1 of 4 stars; one submission).

Allele frequency attached by ClinVar (database versions not stated): gnomAD 0.00001; TOPMed 0.00001.
gnomAD v4.1: 4 of 1,612,082 alleles (0.00025%); highest among the groups gnomAD compares: African/African-American, 0.0013%; no homozygotes.

Submission:

Ambry Genetics
Classification: Uncertain significance. Last evaluated: 2023-11-13. Review status: criteria provided, single submitter. Criteria: Ambry Variant Classification Scheme 2023. Collection method: clinical testing. Allele origin: germline.
Comment: The p.S1055T variant (also known as c.3164G>C), located in coding exon 16 of the POLQ gene, results from a G to C substitution at nucleotide position 3164. The serine at codon 1055 is replaced by threonine, an amino acid with similar properties. This amino acid position is conserved. In addition, this alteration is predicted to be tolerated by in silico analysis. Since supporting evidence is limited at this time, the clinical significance of this alteration remains unclear.

NM_199420.4(POLQ):c.3164G>C (p.Ser1055Thr)

Gene: POLQ (DNA polymerase theta; minus strand). Cytogenetic location: 3q13.33.
Variant type: single nucleotide variant.
Coding change: c.3164G>C on transcript NM_199420.4 (MANE Select); coding-DNA position 3164, G replaced by C.
Protein change: p.Ser1055Thr; replaces serine 1055 with threonine.
Molecular consequence: missense variant.
Genome position (GRCh38, 1-based): chr3:121,489,767, C>G on the plus strand (G>C on the coding strand, the complement: POLQ is on the minus strand). VCF-style: chr3-121489767-C-G. GRCh37 (hg19) VCF-style: chr3-121208614-C-G.
Other names: short protein forms S1055T.
Identifiers: ClinVar variation 1728347 (VCV001728347.2), dbSNP rs755148698, ClinGen allele CA81836532.